The following is an entry in ClinVar:

NM_001197104.2(KMT2A):c.6446G>A (p.Arg2149Gln)

Gene: KMT2A (lysine methyltransferase 2A; plus strand). Cytogenetic location: 11q23.3.
Variant type: single nucleotide variant.
Coding change: c.6446G>A on transcript NM_001197104.2 (MANE Select); coding-DNA position 6446, G replaced by A.
Protein change: p.Arg2149Gln; replaces arginine 2149 with glutamine.
Molecular consequence: missense variant.
Genome position (GRCh38, 1-based): chr11:118,501,798, G>A. VCF-style: chr11-118501798-G-A. GRCh37 (hg19) VCF-style: chr11-118372513-G-A.
Other names: c.6437G>A, p.Arg2146Gln (NM_005933.4); short protein forms R2146Q, R2149Q.
Identifiers: ClinVar variation 1678811 (VCV001678811.8), dbSNP rs782124549, ClinGen allele CA6304247.

ClinVar aggregate classification (germline): Conflicting classifications of pathogenicity. Review status: criteria provided, conflicting classifications (1 of 4 stars). 3 submissions from 3 submitters: Uncertain significance (1); Likely benign (2). Last evaluated 2026-09-01.

Allele frequency attached by ClinVar (database versions not stated): gnomAD 0.00001; gnomAD exomes 0.00001 and 0.00002; ExAC 0.00002; TOPMed 0.00005.
gnomAD v4.1: 22 of 1,613,894 alleles (0.0014%); highest among the groups gnomAD compares: Admixed American, 0.0083%; no homozygotes.

Submissions (3):

CeGaT Center for Human Genetics Tuebingen
Classification: Likely benign. Last evaluated: 2026-09-01. Review status: criteria provided, single submitter. Criteria: CeGaT Center For Human Genetics Tuebingen Variant Classification Criteria Version 2. Collection method: clinical testing. Allele origin: germline. Affected: yes. Observed: 1 variant allele.
Comment: KMT2A: BS2

Labcorp Genetics (formerly Invitae), Labcorp
Classification: Uncertain significance. Last evaluated: 2026-01-27. Review status: criteria provided, single submitter. Criteria: Invitae Variant Classification Sherloc (09022015). Collection method: clinical testing. Allele origin: germline.
Comment: This sequence change replaces arginine, which is basic and polar, with glutamine, which is neutral and polar, at codon 2149 of the KMT2A protein (p.Arg2149Gln). This variant is present in population databases (rs782124549, gnomAD 0.01%). This missense change has been observed in individual(s) with clinical features of KMT2A-related conditions (PMID: 33004838). ClinVar contains an entry for this variant (Variation ID: 1678811). Invitae Evidence Modeling of protein sequence and biophysical properties (such as structural, functional, and spatial information, amino acid conservation, physicochemical variation, residue mobility, and thermodynamic stability) indicates that this missense variant is not expected to disrupt KMT2A protein function with a negative predictive value of 95%. In summary, the available evidence is currently insufficient to determine the role of this variant in disease. Therefore, it has been classified as a Variant of Uncertain Significance.

GeneDx
Classification: Likely benign. Last evaluated: 2019-04-29. Review status: criteria provided, single submitter. Criteria: GeneDx Variant Classification Process June 2021. Collection method: clinical testing. Allele origin: germline. Affected: yes.
Comment: See Variant Classification Assertion Criteria.

Literature cited by the submitters: PubMed 33004838 (cited by Labcorp Genetics (formerly Invitae), Labcorp).